The following is an entry in ClinVar:

ClinVar aggregate classification (germline): Likely benign. Review status: criteria provided, multiple submitters, no conflicts (2 of 4 stars). 4 submissions from 4 submitters: Likely benign (4). Last evaluated 2026-08-11.

Conditions:
WNK1-related disorder. Also called: WNK1-related condition.
Neuropathy, hereditary sensory and autonomic, type 2A (HSAN2A). Also called: MORVAN DISEASE; NEUROPATHY, CONGENITAL SENSORY; NEUROPATHY, HEREDITARY SENSORY RADICULAR, AUTOSOMAL RECESSIVE; NEUROPATHY, HEREDITARY SENSORY, TYPE IIA; NEUROPATHY, PROGRESSIVE SENSORY, OF CHILDREN; WNK1-Related HSAN2 (HSAN2A). Identifiers: Orphanet 970, MedGen C2752089, MONDO:0024309, OMIM 201300.
Pseudohypoaldosteronism type 2C (PHA2C). Also called: Pseudohypoaldosteronism Type IIC. Identifiers: Orphanet 757, Orphanet 88940, MedGen C1840391, MONDO:0013778, OMIM 614492.

Allele frequency attached by ClinVar (database versions not stated): gnomAD 0.00001 and 0.00004; TOPMed 0.00002; gnomAD exomes 0.00004 and 0.00006; ExAC 0.00007.
gnomAD v4.1: 71 of 1,614,070 alleles (0.0044%); highest among the groups gnomAD compares: Middle Eastern, 0.066%; 1 homozygote.

Submissions (4):

PreventionGenetics, part of Exact Sciences
Classification: Likely benign for WNK1-related condition. Last evaluated: 2026-08-11. Review status: criteria provided, single submitter. Criteria: ACMG Guidelines, 2015. Collection method: clinical testing. Allele origin: germline.
Comment: This variant is classified as likely benign based on ACMG/AMP sequence variant interpretation guidelines (Richards et al. 2015 PMID: 25741868, with internal and published modifications).

Labcorp Genetics (formerly Invitae), Labcorp
Classification: Likely benign for Neuropathy, hereditary sensory and autonomic, type 2A; Pseudohypoaldosteronism type 2C. Last evaluated: 2025-12-10. Review status: criteria provided, single submitter. Criteria: Invitae Variant Classification Sherloc (09022015). Collection method: clinical testing. Allele origin: germline.

Fulgent Genetics
Classification: Likely benign for Neuropathy, hereditary sensory and autonomic, type 2A; Pseudohypoaldosteronism type 2C. Last evaluated: 2021-10-23. Review status: criteria provided, single submitter. Criteria: ACMG Guidelines, 2015. Collection method: clinical testing. Allele origin: unknown.

Breakthrough Genomics
Classification: Likely benign. Review status: criteria provided, single submitter. Criteria: ACMG Guidelines, 2015. Collection method: not provided. Allele origin: germline. Inheritance: Autosomal recessive inheritance. Affected: yes.

NM_018979.4(WNK1):c.5697T>C (p.Ser1899=)

Gene: WNK1 (WNK lysine deficient protein kinase 1; plus strand). Cytogenetic location: 12p13.33.
Variant type: single nucleotide variant.
Coding change: c.5697T>C on transcript NM_018979.4 (MANE Select); coding-DNA position 5697, T replaced by C.
Protein change: p.Ser1899=; no amino-acid change (serine 1899 retained).
Molecular consequence: synonymous variant.
Genome position (GRCh38, 1-based): chr12:896,184, T>C. VCF-style: chr12-896184-T-C. GRCh37 (hg19) VCF-style: chr12-1005350-T-C.
Other names: c.5697T>C (NM_018979.3); c.6477T>C, p.Ser2159= (NM_001184985.2); c.4953T>C, p.Ser1651= (NM_014823.3); c.6453T>C, p.Ser2151= (NM_213655.5).
Identifiers: ClinVar variation 1635933 (VCV001635933.11), dbSNP rs778453551, ClinGen allele CA6383266.